The following is an entry in ClinVar:

NM_000503.6(EYA1):c.125-9T>G

Gene: EYA1 (EYA transcriptional coactivator and phosphatase 1; minus strand). Cytogenetic location: 8q13.3.
Variant type: single nucleotide variant.
Coding change: c.125-9T>G on transcript NM_000503.6 (MANE Select); 9 bases into the intron before coding-DNA position 125, T replaced by G.
Molecular consequence: intron variant.
Genome position (GRCh38, 1-based): chr8:71,334,183, A>C on the plus strand (T>G on the coding strand, the complement: EYA1 is on the minus strand). VCF-style: chr8-71334183-A-C. GRCh37 (hg19) VCF-style: chr8-72246418-A-C.
Other names: c.212-9T>G (NM_001370336.1, NM_001370333.1, NM_172059.5); c.125-9T>G (NM_001370335.1, NM_001370334.1, NM_001288574.2 and 1 more transcripts); c.26-9T>G (NM_001411797.1, NM_172060.4); c.-160-9T>G (NM_001288575.2).
Identifiers: ClinVar variation 4854182 (VCV004854182.1).
Genomic context (GRCh38, chr8:71,334,183, plus strand): 5'-CCGTCGGCTGTCGTTGAAGCTGTTTCACTGCTGCTCATTGGCTCTGTTTTAACTACAAAA[A>C]TAAACAACATACATCGATATTGAATTAATAGTTATTTGTAAAGACATGGAAGAGAAGATA-3'

ClinVar aggregate classification (germline): Uncertain significance (1 of 4 stars; one submission).

Conditions:
Branchiootic syndrome 1 (BOS1). Also called: BO SYNDROME 1; BRANCHIOOTIC DYSPLASIA. Identifiers: MedGen C1865143, MONDO:0011258, OMIM 602588.

Submission:

3billion
Classification: Uncertain significance for Branchiootic syndrome 1. Last evaluated: 2025-06-24. Review status: criteria provided, single submitter. Criteria: ACMG Guidelines, 2015. Collection method: clinical testing. Allele origin: germline. Affected: yes.
Comment: The variant is not observed in the gnomAD v4.1.0 dataset. Predicted Consequence/Location: Intron variant In silico tools predict the variant to alter splicing and produce an abnormal transcript [SpliceAI: 0.98 (>=0.2, moderate evidence for spliceogenicity)]. Therefore, this variant is classified as VUS according to the recommendation of ACMG/AMP guideline.